The following is an entry in ClinVar:

ClinVar aggregate classification (germline): Conflicting classifications of pathogenicity. Review status: criteria provided, conflicting classifications (1 of 4 stars). 9 submissions from 9 submitters: Uncertain significance (2); Benign (4); Likely benign (3). Last evaluated 2026-01-29.

Conditions:
GRIN2A-related complex neurodevelopmental disorder. Also called: GRIN2A-related condition; GRIN2A-related disorder. Identifiers: MedGen CN379781, MONDO:1060139.
Inborn genetic diseases. Identifiers: MedGen C0950123, MeSH D030342.
Landau-Kleffner syndrome (FESD). Also called: APHASIA, ACQUIRED, WITH EPILEPSY; EPILEPSY, FOCAL, WITH SPEECH DISORDER AND WITH OR WITHOUT MENTAL RETARDATION. Identifiers: Orphanet 1945, Orphanet 725, Orphanet 98818, MedGen C0282512, MONDO:0009509, OMIM 245570.

Allele frequency attached by ClinVar (database versions not stated): gnomAD exomes 0.00008 and 0.00030; gnomAD 0.00022 and 0.00033; TOPMed 0.00022; ExAC 0.00027; 1000 Genomes Project 30x 0.00219; 1000 Genomes Project 0.00220.
gnomAD v4.1: 208 of 1,614,134 alleles (0.013%); highest among the groups gnomAD compares: East Asian, 0.15%; 1 homozygote.

Submissions (9):

Labcorp Genetics (formerly Invitae), Labcorp
Classification: Benign for Landau-Kleffner syndrome. Last evaluated: 2026-01-29. Review status: criteria provided, single submitter. Criteria: Invitae Variant Classification Sherloc (09022015). Collection method: clinical testing. Allele origin: germline.

PreventionGenetics, part of Exact Sciences
Classification: Likely benign for GRIN2A-related condition. Last evaluated: 2025-07-10. Review status: criteria provided, single submitter. Criteria: ACMG Guidelines, 2015. Collection method: clinical testing. Allele origin: germline.
Comment: This variant is classified as likely benign based on ACMG/AMP sequence variant interpretation guidelines (Richards et al. 2015 PMID: 25741868, with internal and published modifications).

Blueprint Genetics
Classification: Likely benign. Last evaluated: 2024-11-18. Review status: criteria provided, single submitter. Criteria: ACMG Guidelines, 2015. Collection method: clinical testing. Allele origin: germline.

CeGaT Center for Human Genetics Tuebingen
Classification: Likely benign. Last evaluated: 2024-03-01. Review status: criteria provided, single submitter. Criteria: CeGaT Center For Human Genetics Tuebingen Variant Classification Criteria Version 2. Collection method: clinical testing. Allele origin: germline. Affected: yes. Observed: 3 variant alleles.
Comment: GRIN2A: BP4, BS1

Ambry Genetics
Classification: Benign for Inborn genetic diseases. Last evaluated: 2020-08-19. Review status: criteria provided, single submitter. Criteria: Ambry Variant Classification Scheme 2023. Collection method: clinical testing. Allele origin: germline.

Illumina Laboratory Services, Illumina
Classification: Benign for Landau-Kleffner syndrome. Last evaluated: 2018-01-13. Review status: criteria provided, single submitter. Criteria: ICSL Variant Classification Criteria 13 December 2019. Collection method: clinical testing. Allele origin: germline.
Comment: This variant was observed in the ICSL laboratory as part of a predisposition screen in an ostensibly healthy population. It had not been previously curated by ICSL or reported in the Human Gene Mutation Database (HGMD: prior to June 1st, 2018), and was therefore a candidate for classification through an automated scoring system. Utilizing variant allele frequency, disease prevalence and penetrance estimates, and inheritance mode, an automated score was calculated to assess if this variant is too frequent to cause the disease. Based on the score and internal cut-off values, a variant classified as benign is not then subjected to further curation. The score for this variant resulted in a classification of benign for this disease.

Eurofins Ntd Llc (ga)
Classification: Uncertain significance. Last evaluated: 2015-11-20. Review status: criteria provided, single submitter. Criteria: EGL Classification Definitions 2015. Collection method: clinical testing. Allele origin: germline. Observed: 1 variant allele, 1 heterozygote.

GeneDx
Classification: Benign. Last evaluated: 2015-03-03. Review status: criteria provided, single submitter. Criteria: GeneDx Variant Classification Process June 2021. Collection method: clinical testing. Allele origin: germline. Affected: yes.

Genetic Services Laboratory, University of Chicago
Classification: Uncertain significance. Last evaluated: 2013-05-15. Review status: criteria provided, single submitter. Criteria: ACMG Guidelines, 2007. Collection method: clinical testing. Allele origin: germline. Inheritance: Autosomal dominant inheritance.

NM_001134407.3(GRIN2A):c.3702C>T (p.Phe1234=)

Gene: GRIN2A (glutamate ionotropic receptor NMDA type subunit 2A; minus strand). Cytogenetic location: 16p13.2.
Variant type: single nucleotide variant.
Coding change: c.3702C>T on transcript NM_001134407.3 (MANE Select); coding-DNA position 3702, C replaced by T.
Protein change: p.Phe1234=; no amino-acid change (phenylalanine 1234 retained).
Molecular consequence: synonymous variant.
Genome position (GRCh38, 1-based): chr16:9,763,842, G>A on the plus strand (C>T on the coding strand, the complement: GRIN2A is on the minus strand). VCF-style: chr16-9763842-G-A. GRCh37 (hg19) VCF-style: chr16-9857699-G-A.
Other names: c.3702C>T, p.Phe1234= (NM_000833.5, NM_001134408.2).
Identifiers: ClinVar variation 129186 (VCV000129186.60), dbSNP rs372083517, ClinGen allele CA231145.